The following is an entry in ClinVar:

ClinVar aggregate classification (germline): Uncertain significance (1 of 4 stars; one submission).

Submission:

Labcorp Genetics (formerly Invitae), Labcorp
Classification: Uncertain significance. Last evaluated: 2022-06-19. Review status: criteria provided, single submitter. Criteria: Invitae Variant Classification Sherloc (09022015). Collection method: clinical testing. Allele origin: germline.
Comment: This variant results in a copy number gain of the genomic region encompassing exon(s) 1-2 of the PRKN gene. This region includes the initiator codon of the gene. This copy number gain extends beyond the assayed region for this gene and therefore may encompass additional genes. As the precise location of this event is unknown, it may be in tandem or it may be located elsewhere in the genome. A similar copy number variant has been observed in individual(s) with Parkinson disease (PMID: 33045815). Experimental studies and prediction algorithms are not available or were not evaluated, and the functional significance of this variant is currently unknown. In summary, the available evidence is currently insufficient to determine the role of this variant in disease. Therefore, it has been classified as a Variant of Uncertain Significance.

Literature cited by the submitters: PubMed 33045815.

NC_000006.11:g.(?_162864322)_(163148700_?)dup

Genes: PACRG (parkin coregulated; plus strand), PRKN (parkin RBR E3 ubiquitin protein ligase; minus strand). Cytogenetic location: 6q26.
Variant type: Duplication.
Identifiers: ClinVar variation 1411231 (VCV001411231.4).